The following is an entry in ClinVar:

NC_000005.9:g.(?_80083374)_(80171681_?)dup

Gene: MSH3 (mutS homolog 3; plus strand). Cytogenetic location: 5q14.1.
Variant type: Duplication.
Identifiers: ClinVar variation 2424444 (VCV002424444.4).

ClinVar aggregate classification (germline): Uncertain significance (1 of 4 stars; one submission).

Submission:

Labcorp Genetics (formerly Invitae), Labcorp
Classification: Uncertain significance. Last evaluated: 2022-09-29. Review status: criteria provided, single submitter. Criteria: Invitae Variant Classification Sherloc (09022015). Collection method: clinical testing. Allele origin: germline.
Comment: In summary, the available evidence is currently insufficient to determine the role of this variant in disease. Therefore, it has been classified as a Variant of Uncertain Significance. Experimental studies and prediction algorithms are not available or were not evaluated, and the functional significance of this variant is currently unknown. This variant has not been reported in the literature in individuals affected with MSH3-related conditions. This variant results in a copy number gain of the genomic region encompassing exon(s) 18-24 of the MSH3 gene. This region includes the termination codon of the gene. This copy number gain extends beyond the assayed region for this gene and therefore may encompass additional genes. As the precise location of this event is unknown, it may be in tandem or it may be located elsewhere in the genome.